The following is an entry in ClinVar:

ClinVar aggregate classification (germline): Benign/Likely benign. Review status: criteria provided, multiple submitters, no conflicts (2 of 4 stars). 16 submissions from 16 submitters: Benign (6); Likely benign (5). 5 of the submissions do not count toward it. Last evaluated 2026-01-26.

Conditions:
Cardiovascular phenotype. Identifiers: MedGen CN230736.
Cardiomyopathy (CMYO). Also called: Cardiomyopathies. Identifiers: Orphanet 167848, MedGen C0878544, MONDO:0004994, HP:0001638. Inheritance: Various modes of inheritance.
Danon disease. Also called: ANTOPOL DISEASE; PSEUDOGLYCOGENOSIS II; GSD IIb; LYSOSOMAL GLYCOGEN STORAGE DISEASE WITHOUT ACID MALTASE DEFICIENCY; Glycogen Storage Disease Type IIb. Identifiers: Orphanet 34587, MedGen C0878677, MONDO:0010281, OMIM 300257.

Allele frequency attached by ClinVar (database versions not stated): 1000 Genomes Project 0.00053; 1000 Genomes Project 30x 0.00083; ExAC 0.00104; gnomAD 0.00117 and 0.00119; TOPMed 0.00127; ESP Exome Variant Server 0.00170.
gnomAD v4.1: 2,188 of 1,208,328 alleles (0.18%); highest among the groups gnomAD compares: Non-Finnish European, 0.23%; 2 homozygotes.

Submissions (16):

Labcorp Genetics (formerly Invitae), Labcorp
Classification: Likely benign for Danon disease. Last evaluated: 2026-01-26. Review status: criteria provided, single submitter. Criteria: Invitae Variant Classification Sherloc (09022015). Collection method: clinical testing. Allele origin: germline.

ARUP Laboratories, Molecular Genetics and Genomics, ARUP Laboratories
Classification: Benign for Danon disease. Last evaluated: 2025-06-27. Review status: criteria provided, single submitter. Criteria: ARUP Molecular Germline Variant Investigation Process 2024. Collection method: clinical testing. Allele origin: germline.

Blueprint Genetics
Classification: Likely benign. Last evaluated: 2024-11-28. Review status: criteria provided, single submitter. Criteria: ACMG Guidelines, 2015. Collection method: clinical testing. Allele origin: germline.

Women's Health and Genetics/Laboratory Corporation of America, LabCorp
Classification: Likely benign. Last evaluated: 2023-12-10. Review status: criteria provided, single submitter. Criteria: LabCorp Variant Classification Summary - May 2015. Collection method: clinical testing. Allele origin: germline.

CHEO Genetics Diagnostic Laboratory, Children's Hospital of Eastern Ontario
Classification: Benign for Cardiomyopathy. Last evaluated: 2022-11-17. Review status: criteria provided, single submitter. Criteria: ACMG Guidelines, 2015. Collection method: clinical testing. Allele origin: germline.

Laboratory for Molecular Medicine, Mass General Brigham Personalized Medicine
Classification: Benign. Last evaluated: 2022-03-14. Review status: criteria provided, single submitter. Criteria: ACMG Guidelines, 2015. Collection method: clinical testing. Allele origin: germline.
Comment: The p.Ile252Ser variant in LAMP2 is classified as benign because it has been identified in 0.18% (169/92563) of European chromosomes, including 1 homozygote, by gnomAD. ACMG/AMP Criteria applied: BA1.

Illumina Laboratory Services, Illumina
Classification: Benign for Danon disease. Last evaluated: 2018-01-12. Review status: criteria provided, single submitter. Criteria: ICSL Variant Classification Criteria 13 December 2019. Collection method: clinical testing. Allele origin: germline.
Comment: This variant was observed in the ICSL laboratory as part of a predisposition screen in an ostensibly healthy population. It had not been previously curated by ICSL or reported in the Human Gene Mutation Database (HGMD: prior to June 1st, 2018), and was therefore a candidate for classification through an automated scoring system. Utilizing variant allele frequency, disease prevalence and penetrance estimates, and inheritance mode, an automated score was calculated to assess if this variant is too frequent to cause the disease. Based on the score and internal cut-off values, a variant classified as benign is not then subjected to further curation. The score for this variant resulted in a classification of benign for this disease.

Ambry Genetics
Classification: Benign for Cardiovascular phenotype. Last evaluated: 2017-05-31. Review status: criteria provided, single submitter. Criteria: Ambry Variant Classification Scheme 2023. Collection method: clinical testing. Allele origin: germline.

Molecular Diagnostic Laboratory for Inherited Cardiovascular Disease, Montreal Heart Institute
Classification: Likely benign. Last evaluated: 2017-02-24. Review status: criteria provided, single submitter. Criteria: ACMG Guidelines, 2015. Collection method: clinical testing. Allele origin: germline. Affected: yes.

Eurofins Ntd Llc (ga)
Classification: Likely benign. Last evaluated: 2015-01-28. Review status: criteria provided, single submitter. Criteria: EGL Classification Definitions 2015. Collection method: clinical testing. Allele origin: germline. Observed: 1 variant allele, 1 hemizygote.

GeneDx
Classification: Benign. Last evaluated: 2013-08-15. Review status: criteria provided, single submitter. Criteria: GeneDx Variant Classification (06012015). Collection method: clinical testing. Allele origin: germline. Affected: yes.
Comment: This variant is considered likely benign or benign based on one or more of the following criteria: it is a conservative change, it occurs at a poorly conserved position in the protein, it is predicted to be benign by multiple in silico algorithms, and/or has population frequency not consistent with disease.

Clinical Genetics DNA and cytogenetics Diagnostics Lab, Erasmus MC, Erasmus Medical Center
Classification: Benign. Review status: no assertion criteria provided. Collection method: clinical testing. Allele origin: germline. Affected: yes. Study: VKGL Data-share Consensus. Not counted in ClinVar's aggregate classification.

Clinical Genetics, Academic Medical Center
Classification: Benign. Review status: no assertion criteria provided. Collection method: clinical testing. Allele origin: germline. Affected: yes. Study: VKGL Data-share Consensus. Not counted in ClinVar's aggregate classification.

Diagnostic Laboratory, Department of Genetics, University Medical Center Groningen
Classification: Likely benign for Danon disease. Review status: no assertion criteria provided. Collection method: clinical testing. Allele origin: germline. Affected: yes. Study: VKGL Data-share Consensus. Not counted in ClinVar's aggregate classification.

Genome Diagnostics Laboratory, University Medical Center Utrecht
Classification: Likely benign. Review status: no assertion criteria provided. Collection method: clinical testing. Allele origin: germline. Affected: yes. Study: VKGL Data-share Consensus. Not counted in ClinVar's aggregate classification.

Joint Genome Diagnostic Labs from Nijmegen and Maastricht, Radboudumc and MUMC+
Classification: Likely benign. Review status: no assertion criteria provided. Collection method: clinical testing. Allele origin: germline. Affected: yes. Study: VKGL Data-share Consensus. Not counted in ClinVar's aggregate classification.

Literature cited by the submitters: PubMed 19533775 (cited by Laboratory for Molecular Medicine, Mass General Brigham Personalized Medicine).

NM_002294.3(LAMP2):c.755T>G (p.Ile252Ser)

Gene: LAMP2 (lysosome associated membrane protein 2; minus strand). Cytogenetic location: Xq24.
Variant type: single nucleotide variant.
Coding change: c.755T>G on transcript NM_002294.3 (MANE Select); coding-DNA position 755, T replaced by G.
Protein change: p.Ile252Ser; replaces isoleucine 252 with serine.
Molecular consequence: missense variant.
Genome position (GRCh38, 1-based): chrX:120,446,414, A>C on the plus strand (T>G on the coding strand, the complement: LAMP2 is on the minus strand). VCF-style: chrX-120446414-A-C. GRCh37 (hg19) VCF-style: chrX-119580269-A-C.
Other names: p.I252S:ATT>AGT; c.755T>G, p.Ile252Ser (NM_001122606.1, NM_013995.2); short protein forms I252S.
Identifiers: ClinVar variation 44437 (VCV000044437.39), dbSNP rs141541387, ClinGen allele CA134176.